The following is an entry in ClinVar:

NM_001114753.3(ENG):c.1030A>C (p.Thr344Pro)

Gene: ENG (endoglin; minus strand). Cytogenetic location: 9q34.11.
Variant type: single nucleotide variant.
Coding change: c.1030A>C on transcript NM_001114753.3 (MANE Select); coding-DNA position 1030, A replaced by C.
Protein change: p.Thr344Pro; replaces threonine 344 with proline.
Molecular consequence: missense variant.
Genome position (GRCh38, 1-based): chr9:127,824,408, T>G on the plus strand (A>C on the coding strand, the complement: ENG is on the minus strand). VCF-style: chr9-127824408-T-G. GRCh37 (hg19) VCF-style: chr9-130586687-T-G.
Other names: c.484A>C, p.Thr162Pro (NM_001278138.2); c.1030A>C, p.Thr344Pro (NM_001406715.1, NM_000118.4); short protein forms T344P, T162P.
Identifiers: ClinVar variation 5035937 (VCV005035937.1).

ClinVar aggregate classification (germline): Uncertain significance (1 of 4 stars; one submission).

Conditions:
Cardiovascular phenotype. Identifiers: MedGen CN230736.

Submission:

Ambry Genetics
Classification: Uncertain significance for Cardiovascular phenotype. Last evaluated: 2026-08-26. Review status: criteria provided, single submitter. Criteria: Ambry Variant Classification Scheme 2023. Collection method: clinical testing. Allele origin: germline.
Comment: The p.T344P variant (also known as c.1030A>C), located in coding exon 8 of the ENG gene, results from an A to C substitution at nucleotide position 1030. The threonine at codon 344 is replaced by proline, an amino acid with highly similar properties. This amino acid position is conserved. In addition, this alteration is predicted to be tolerated by in silico analysis. Based on the available evidence, the clinical significance of this variant remains unclear.